The following is an entry in ClinVar:

ClinVar aggregate classification (germline): Uncertain significance (1 of 4 stars; one submission).

Allele frequency attached by ClinVar (database versions not stated): ExAC 0.00001; gnomAD 0.00001; gnomAD exomes 0.00001.
gnomAD v4.1: 6 of 1,611,330 alleles (0.00037%); highest among the groups gnomAD compares: Admixed American, 0.0083%; no homozygotes.

Submission:

Labcorp Genetics (formerly Invitae), Labcorp
Classification: Uncertain significance. Last evaluated: 2025-11-14. Review status: criteria provided, single submitter. Criteria: Invitae Variant Classification Sherloc (09022015). Collection method: clinical testing. Allele origin: germline.
Comment: This sequence change falls in intron 5 of the RBP4 gene. It does not directly change the encoded amino acid sequence of the RBP4 protein. It affects a nucleotide within the consensus splice site. This variant is present in population databases (rs757077488, gnomAD 0.01%). This variant has not been reported in the literature in individuals affected with RBP4-related conditions. ClinVar contains an entry for this variant (Variation ID: 1896307). Variants that disrupt the consensus splice site are a relatively common cause of aberrant splicing (PMID: 17576681, 9536098). Algorithms developed to predict the effect of sequence changes on RNA splicing suggest that this variant may disrupt the consensus splice site. In summary, the available evidence is currently insufficient to determine the role of this variant in disease. Therefore, it has been classified as a Variant of Uncertain Significance.

Literature cited by the submitters: PubMed 17576681; PubMed 9536098.

NM_006744.4(RBP4):c.568+5G>C

Gene: RBP4 (retinol binding protein 4; minus strand). Cytogenetic location: 10q23.33.
Variant type: single nucleotide variant.
Coding change: c.568+5G>C on transcript NM_006744.4 (MANE Select); 5 bases into the intron after coding-DNA position 568, G replaced by C.
Molecular consequence: intron variant.
Genome position (GRCh38, 1-based): chr10:93,593,818, C>G on the plus strand (G>C on the coding strand, the complement: RBP4 is on the minus strand). VCF-style: chr10-93593818-C-G. GRCh37 (hg19) VCF-style: chr10-95353575-C-G.
Other names: c.562+5G>C (NM_001323518.2); c.568+5G>C (NM_001323517.1).
Identifiers: ClinVar variation 1896307 (VCV001896307.5), dbSNP rs757077488, ClinGen allele CA5609511.